The following is an entry in ClinVar:

NM_017617.5(NOTCH1):c.1903+10C>G

Gene: NOTCH1 (notch receptor 1; minus strand). Cytogenetic location: 9q34.3.
Variant type: single nucleotide variant.
Coding change: c.1903+10C>G on transcript NM_017617.5 (MANE Select); 10 bases into the intron after coding-DNA position 1903, C replaced by G.
Molecular consequence: intron variant.
Genome position (GRCh38, 1-based): chr9:136,515,473, G>C on the plus strand (C>G on the coding strand, the complement: NOTCH1 is on the minus strand). VCF-style: chr9-136515473-G-C. GRCh37 (hg19) VCF-style: chr9-139409925-G-C.
Other names: c.1903+10C>G (NM_017617.4, LRG_1122t1).
Identifiers: ClinVar variation 477883 (VCV000477883.14), dbSNP rs375704312, ClinGen allele CA5341597.

ClinVar aggregate classification (germline): Conflicting classifications of pathogenicity. Review status: criteria provided, conflicting classifications (1 of 4 stars). 7 submissions from 6 submitters: Uncertain significance (1); Likely benign (6). Last evaluated 2025-08-23.

Conditions:
Adams-Oliver syndrome 5 (AOS5). Identifiers: Orphanet 974, MedGen C4014970, MONDO:0014459, OMIM 616028.
Familial thoracic aortic aneurysm and aortic dissection (TAAD). Also called: Thoracic aortic aneurysms and dissections. Identifiers: Orphanet 91387, MedGen C4707243, MONDO:0019625.
Aortic valve disease 1 (AOVD1). Identifiers: MedGen C3887892, MONDO:0024523, OMIM 109730.

Allele frequency attached by ClinVar (database versions not stated): gnomAD 0.00003 and 0.00004; gnomAD exomes 0.00003; ExAC 0.00004; TOPMed 0.00004; ESP Exome Variant Server 0.00008.
gnomAD v4.1: 41 of 1,611,518 alleles (0.0025%); highest among the groups gnomAD compares: Non-Finnish European, 0.0033%; no homozygotes.

Submissions (7):

Labcorp Genetics (formerly Invitae), Labcorp
Classification: Likely benign for Adams-Oliver syndrome 5. Last evaluated: 2025-08-23. Review status: criteria provided, single submitter. Criteria: Invitae Variant Classification Sherloc (09022015). Collection method: clinical testing. Allele origin: germline.

Women's Health and Genetics/Laboratory Corporation of America, LabCorp
Classification: Likely benign. Last evaluated: 2024-12-12. Review status: criteria provided, single submitter. Criteria: LabCorp Variant Classification Summary - May 2015. Collection method: clinical testing. Allele origin: germline.

Blueprint Genetics
Classification: Likely benign. Last evaluated: 2024-03-01. Review status: criteria provided, single submitter. Criteria: ACMG Guidelines, 2015. Collection method: clinical testing. Allele origin: germline.

Genome-Nilou Lab
Classification: Likely benign for Adams-Oliver syndrome 5. Last evaluated: 2022-03-15. Review status: criteria provided, single submitter. Criteria: ACMG Guidelines, 2015. Collection method: clinical testing. Allele origin: germline. Affected: no.

Genome-Nilou Lab
Classification: Likely benign for Aortic valve disease 1. Last evaluated: 2022-03-15. Review status: criteria provided, single submitter. Criteria: ACMG Guidelines, 2015. Collection method: clinical testing. Allele origin: germline. Affected: no.

CHEO Genetics Diagnostic Laboratory, Children's Hospital of Eastern Ontario
Classification: Uncertain significance for Familial thoracic aortic aneurysm and aortic dissection. Last evaluated: 2021-10-13. Review status: criteria provided, single submitter. Criteria: ACMG Guidelines, 2015. Collection method: clinical testing. Allele origin: germline.

GeneDx
Classification: Likely benign. Last evaluated: 2017-10-23. Review status: criteria provided, single submitter. Criteria: GeneDx Variant Classification (06012015). Collection method: clinical testing. Allele origin: germline. Affected: yes.
Comment: This variant is considered likely benign or benign based on one or more of the following criteria: it is a conservative change, it occurs at a poorly conserved position in the protein, it is predicted to be benign by multiple in silico algorithms, and/or has population frequency not consistent with disease.